The following is an entry in ClinVar:

ClinVar aggregate classification (germline): Benign/Likely benign. Review status: criteria provided, single submitter (1 of 4 stars). 5 submissions from 1 submitter: Benign (4); Likely benign (1). Last evaluated 2018-01-12.

Conditions:
Congenital myasthenic syndrome 16. Identifiers: Orphanet 590, MedGen C3280112, MONDO:0013620, OMIM 614198.
Paramyotonia congenita of Von Eulenburg. Also called: Paramyotonia Congenita; PARALYSIS PERIODICA PARAMYOTONICA; Eulenburg disease; Myotonia congenita intermittens; Von Eulenburg paramyotonia congenita. Identifiers: Orphanet 684, MedGen C0221055, MONDO:0008195, OMIM 168300. Disease mechanism: loss of function.
Hypokalemic periodic paralysis, type 2 (HOKPP2). Identifiers: Orphanet 681, MedGen C2750061, MONDO:0013234, OMIM 613345.
Hyperkalemic periodic paralysis. Also called: Familial hyperkalemic periodic paralysis; Gamstorp disease. Identifiers: Orphanet 682, MedGen C0238357, MONDO:0008224, OMIM 170500, HP:0007215.
Potassium-aggravated myotonia. Also called: Myotonia congenita, atypical, acetazolamide-responsive; MYOTONIA CONGENITA, ACETAZOLAMIDE-RESPONSIVE; MYOTONIA CONGENITA, ATYPICAL; SODIUM CHANNEL MUSCLE DISEASE. Identifiers: Orphanet 612, Orphanet 99734, Orphanet 99735, Orphanet 99736, MedGen C2931826, MONDO:0018959, OMIM 608390.

Allele frequency attached by ClinVar (database versions not stated): gnomAD 0.00248 and 0.00233; 1000 Genomes Project 0.00300; 1000 Genomes Project 30x 0.00312; TOPMed 0.00061; gnomAD exomes 0.01010.

Submissions (5):

Illumina Laboratory Services, Illumina
Classification: Benign for Hypokalemic periodic paralysis, type 2. Last evaluated: 2018-01-12. Review status: criteria provided, single submitter. Criteria: ICSL Variant Classification Criteria 13 December 2019. Collection method: clinical testing. Allele origin: germline.
Comment: This variant was observed in the ICSL laboratory as part of a predisposition screen in an ostensibly healthy population. It had not been previously curated by ICSL or reported in the Human Gene Mutation Database (HGMD: prior to June 1st, 2018), and was therefore a candidate for classification through an automated scoring system. Utilizing variant allele frequency, disease prevalence and penetrance estimates, and inheritance mode, an automated score was calculated to assess if this variant is too frequent to cause the disease. Based on the score and internal cut-off values, a variant classified as benign is not then subjected to further curation. The score for this variant resulted in a classification of benign for this disease.

Illumina Laboratory Services, Illumina
Classification: Benign for Hyperkalemic periodic paralysis. Last evaluated: 2018-01-12. Review status: criteria provided, single submitter. Criteria: ICSL Variant Classification Criteria 13 December 2019. Collection method: clinical testing. Allele origin: germline.
Comment: the same text as in the submission from Illumina Laboratory Services, Illumina above.

Illumina Laboratory Services, Illumina
Classification: Benign for Paramyotonia congenita of Von Eulenburg. Last evaluated: 2018-01-12. Review status: criteria provided, single submitter. Criteria: ICSL Variant Classification Criteria 13 December 2019. Collection method: clinical testing. Allele origin: germline.
Comment: the same text as in the submission from Illumina Laboratory Services, Illumina above.

Illumina Laboratory Services, Illumina
Classification: Benign for Potassium-aggravated myotonia. Last evaluated: 2018-01-12. Review status: criteria provided, single submitter. Criteria: ICSL Variant Classification Criteria 13 December 2019. Collection method: clinical testing. Allele origin: germline.
Comment: the same text as in the submission from Illumina Laboratory Services, Illumina above.

Illumina Laboratory Services, Illumina
Classification: Likely benign for Congenital myasthenic syndrome 16. Last evaluated: 2018-01-12. Review status: criteria provided, single submitter. Criteria: ICSL Variant Classification Criteria 13 December 2019. Collection method: clinical testing. Allele origin: germline.
Comment: This variant was observed in the ICSL laboratory as part of a predisposition screen in an ostensibly healthy population. It had not been previously curated by ICSL or reported in the Human Gene Mutation Database (HGMD: prior to June 1st, 2018), and was therefore a candidate for classification through an automated scoring system. Utilizing variant allele frequency, disease prevalence and penetrance estimates, and inheritance mode, an automated score was calculated to assess if this variant is too frequent to cause the disease. Based on the score and internal cut-off values, a variant classified as likely benign is not then subjected to further curation. The score for this variant resulted in a classification of likely benign for this disease.

NM_000334.4(SCN4A):c.*1828A>G

Genes: GH-LCR (growth hormone locus control region; plus strand), SCN4A (sodium voltage-gated channel alpha subunit 4; minus strand). Cytogenetic location: 17q23.3.
Variant type: single nucleotide variant.
Coding change: c.*1828A>G on transcript NM_000334.4 (MANE Select); 1828 bases downstream of the stop codon, A replaced by G.
Molecular consequence: 3 prime UTR variant.
Genome position (GRCh38, 1-based): chr17:63,938,943, T>C on the plus strand (A>G on the coding strand, the complement: SCN4A is on the minus strand). VCF-style: chr17-63938943-T-C. GRCh37 (hg19) VCF-style: chr17-62016303-T-C.
Identifiers: ClinVar variation 324472 (VCV000324472.5), dbSNP rs79003915, ClinGen allele CA10640188.